The following is an entry in ClinVar:

NM_024577.4(SH3TC2):c.968C>A (p.Thr323Asn)

Gene: SH3TC2 (SH3 domain and tetratricopeptide repeats 2; minus strand). Cytogenetic location: 5q32.
Variant type: single nucleotide variant.
Coding change: c.968C>A on transcript NM_024577.4 (MANE Select); coding-DNA position 968, C replaced by A.
Protein change: p.Thr323Asn; replaces threonine 323 with asparagine.
Molecular consequence: missense variant.
Genome position (GRCh38, 1-based): chr5:149,038,328, G>T on the plus strand (C>A on the coding strand, the complement: SH3TC2 is on the minus strand). VCF-style: chr5-149038328-G-T. GRCh37 (hg19) VCF-style: chr5-148417891-G-T.
Other names: short protein forms T323N.
Identifiers: ClinVar variation 1305054 (VCV001305054.2), dbSNP rs1312769510, ClinGen allele CA361672392.

ClinVar aggregate classification (germline): Uncertain significance (1 of 4 stars; one submission).

Submission:

GeneDx
Classification: Uncertain significance. Last evaluated: 2019-04-10. Review status: criteria provided, single submitter. Criteria: GeneDx Variant Classification Process June 2021. Collection method: clinical testing. Allele origin: germline. Affected: yes.
Comment: Not observed in large population cohorts (Lek et al., 2016); In silico analysis, which includes protein predictors and evolutionary conservation, supports a deleterious effect; Has not been previously published as pathogenic or benign to our knowledge